The following is an entry in ClinVar:

NM_000088.4(COL1A1):c.4307G>A (p.Arg1436His)

Gene: COL1A1 (collagen type I alpha 1 chain; minus strand). Cytogenetic location: 17q21.33.
Variant type: single nucleotide variant.
Coding change: c.4307G>A on transcript NM_000088.4 (MANE Select); coding-DNA position 4307, G replaced by A.
Protein change: p.Arg1436His; replaces arginine 1436 with histidine.
Molecular consequence: missense variant.
Genome position (GRCh38, 1-based): chr17:50,185,590, C>T on the plus strand (G>A on the coding strand, the complement: COL1A1 is on the minus strand). VCF-style: chr17-50185590-C-T. GRCh37 (hg19) VCF-style: chr17-48262951-C-T.
Other names: p.Arg1436His; short protein forms R1436H.
Identifiers: ClinVar variation 1693708 (VCV001693708.8), dbSNP rs149295671, ClinGen allele CA8644187.
Genomic context (GRCh38, chr17:50,185,590, plus strand): 5'-AAGCCGAATTCCTGGTCTGGGGCACCAACGTCCAAGGGGGCCACATCGATGATGGGCAGG[C>T]GGGAGGTCTTGGTGGTTTTGTATTCAATCACTGTCTTGCCCCAGGCTCCGGTGTGACTCT-3'
Protein context (NP_000079.2, residues 1426-1446): VIEYKTTKTS[Arg1436His]LPIIDVAPLD

ClinVar aggregate classification (germline): Uncertain significance. Review status: criteria provided, multiple submitters, no conflicts (2 of 4 stars). 4 submissions from 4 submitters: Uncertain significance (4). Last evaluated 2026-05-12.

Conditions:
Osteogenesis imperfecta type I (OI1). Also called: OI, TYPE I; OSTEOGENESIS IMPERFECTA TARDA; OSTEOGENESIS IMPERFECTA WITH BLUE SCLERAE; Osteogenesis imperfecta type 1; Lobstein's Disease; Lobstein disease. Identifiers: Orphanet 216796, Orphanet 666, MedGen C0023931, MONDO:0008146, OMIM 166200. Disease mechanism: loss of function.
COL1A1-related disorder. Also called: COL1A1- related disease; COL1A1-related condition.

Allele frequency attached by ClinVar (database versions not stated): gnomAD exomes 0.00001 and 0.00002; ExAC 0.00002; gnomAD 0.00003 and 0.00004; ESP Exome Variant Server 0.00015.
gnomAD v4.1: 22 of 1,613,450 alleles (0.0014%); highest among the groups gnomAD compares: African/African-American, 0.011%; no homozygotes.

Submissions (4):

PreventionGenetics, part of Exact Sciences
Classification: Uncertain significance for COL1A1-related condition. Last evaluated: 2026-05-12. Review status: criteria provided, single submitter. Criteria: ACMG Guidelines, 2015. Collection method: clinical testing. Allele origin: germline.
Comment: The COL1A1 c.4307G>A variant is predicted to result in the amino acid substitution p.Arg1436His. This variant was reported in an individual with early-onset osteoporosis (Supplemental data, Mancini et al. 2024. PubMed ID: 39316135). This variant is reported in 0.0062% of alleles in individuals of African descent in gnomAD. At this time, the clinical significance of this variant is uncertain due to the absence of conclusive functional and genetic evidence.

Labcorp Genetics (formerly Invitae), Labcorp
Classification: Uncertain significance for Osteogenesis imperfecta type I. Last evaluated: 2025-09-22. Review status: criteria provided, single submitter. Criteria: Invitae Variant Classification Sherloc (09022015). Collection method: clinical testing. Allele origin: germline.
Comment: This sequence change replaces arginine, which is basic and polar, with histidine, which is basic and polar, at codon 1436 of the COL1A1 protein (p.Arg1436His). This variant is present in population databases (rs149295671, gnomAD 0.007%). This variant has not been reported in the literature in individuals affected with COL1A1-related conditions. ClinVar contains an entry for this variant (Variation ID: 1693708). Invitae Evidence Modeling of protein sequence and biophysical properties (such as structural, functional, and spatial information, amino acid conservation, physicochemical variation, residue mobility, and thermodynamic stability) has been performed for this missense variant. However, the output from this modeling did not meet the statistical confidence thresholds required to predict the impact of this variant on COL1A1 protein function. In summary, the available evidence is currently insufficient to determine the role of this variant in disease. Therefore, it has been classified as a Variant of Uncertain Significance.

GeneDx
Classification: Uncertain significance. Last evaluated: 2023-09-27. Review status: criteria provided, single submitter. Criteria: GeneDx Variant Classification Process June 2021. Collection method: clinical testing. Allele origin: germline. Affected: yes.
Comment: Not observed at significant frequency in large population cohorts (gnomAD); In silico analysis supports that this missense variant has a deleterious effect on protein structure/function; Has not been previously published as pathogenic or benign to our knowledge; Not located in the triple helical region, where the majority of pathogenic missense variants occur (HGMD)

Mayo Clinic Laboratories, Mayo Clinic
Classification: Uncertain significance. Last evaluated: 2021-12-21. Review status: criteria provided, single submitter. Criteria: ACMG Guidelines, 2015. Collection method: clinical testing. Allele origin: germline.